The following is an entry in ClinVar:

ClinVar aggregate classification (germline): Uncertain significance (1 of 4 stars; one submission).

Conditions:
Hereditary cancer-predisposing syndrome. Also called: Tumor predisposition; Neoplastic Syndromes, Hereditary; Hereditary neoplastic syndrome; Hereditary Cancer Syndrome. Identifiers: Orphanet 140162, MedGen C0027672, MeSH D009386, MONDO:0015356.

Submission:

Molecular Diagnostics Laboratory, Catalan Institute of Oncology
Classification: Uncertain significance for Hereditary cancer-predisposing syndrome. Last evaluated: 2025-06-02. Review status: criteria provided, single submitter. Criteria: ACMG Guidelines, 2015. Collection method: clinical testing. Allele origin: germline.
Comment: PP3, PM2_Supporting RAD51C c.1027-4del is an intronic variant located close to a canonical splice site. The SpliceAI algorithm predicts that the variant impairs the splicing of intron 8, the last intron of the gene (Acceptor Loss deltascore: 0.25 and Donor Loss deltascore: 0.23) (PP3). It is not present in the population database gnomAD v2.1.1, non cancer dataset (PM2_Supporting). To our knowledge, neither relevant clinical data nor well-stablished functional studies have been reported for this variant. Also, the variant has not been reported neither in ClinVar nor in LOVD databases. Based on the currently available information, c.1027-4del is classified as an uncertain significance variant according to ACMG guidelines.

NM_058216.3(RAD51C):c.1027-4del

Gene: RAD51C (RAD51 paralog C; plus strand). Cytogenetic location: 17q22.
Variant type: Deletion.
Coding change: c.1027-4del on transcript NM_058216.3 (MANE Select); 4 bases into the intron before coding-DNA position 1027, one base deleted (T; older notation c.1027-4delT).
Molecular consequence: intron variant.
Genome position (GRCh38, 1-based): chr17:58,734,114, T deleted; the last of 3 consecutive T bases (chr17:58,734,112-58,734,114); deleting any one gives the same sequence. VCF-style (leftmost placement, unchanged base first): chr17-58734111-CT-C. GRCh37 (hg19) VCF-style: chr17-56811472-CT-C.
Identifiers: ClinVar variation 4082305 (VCV004082305.1).